The following is an entry in ClinVar:

NM_000256.3(MYBPC3):c.1387C>T (p.Gln463Ter)

Gene: MYBPC3 (myosin binding protein C3; minus strand). Cytogenetic location: 11p11.2.
Variant type: single nucleotide variant.
Coding change: c.1387C>T on transcript NM_000256.3 (MANE Select); coding-DNA position 1387, C replaced by T.
Protein change: p.Gln463Ter; replaces glutamine 463 with a stop codon.
Molecular consequence: nonsense.
Genome position (GRCh38, 1-based): chr11:47,342,900, G>A on the plus strand (C>T on the coding strand, the complement: MYBPC3 is on the minus strand). VCF-style: chr11-47342900-G-A. GRCh37 (hg19) VCF-style: chr11-47364451-G-A.
Other names: p.Q463*:CAG>TAG; c.1387C>T, p.Gln463Ter (LRG_386t1); short protein forms Q463*.
Identifiers: ClinVar variation 180933 (VCV000180933.8), dbSNP rs730880538, ClinGen allele CA010230.
Genomic context (GRCh38, chr11:47,342,900, plus strand): 5'-GCGCCCCCTCCTCCGATACTTCACACTCAAACTCCACCCGCTGCCCCACCATCACCAGCT[G>A]GTCCTCCAAGGGGCGCGTGATGAGCACAGGGGGCTCTGTCCAGGCAGGGTGAGCATGAGG-3'

ClinVar aggregate classification (germline): Pathogenic. Review status: criteria provided, multiple submitters, no conflicts (2 of 4 stars). 3 submissions from 3 submitters: Pathogenic (3). Last evaluated 2022-11-09.

Conditions:
Cardiovascular phenotype. Identifiers: MedGen CN230736.
Hypertrophic cardiomyopathy. Also called: HYPERTROPHIC MYOCARDIOPATHY. Identifiers: Orphanet 217569, MedGen C0007194, MeSH D002312, MONDO:0005045, HP:0001639.

Submissions (3):

Labcorp Genetics (formerly Invitae), Labcorp
Classification: Pathogenic for Hypertrophic cardiomyopathy. Last evaluated: 2022-11-09. Review status: criteria provided, single submitter. Criteria: Invitae Variant Classification Sherloc (09022015). Collection method: clinical testing. Allele origin: germline.
Comment: This sequence change creates a premature translational stop signal (p.Gln463*) in the MYBPC3 gene. It is expected to result in an absent or disrupted protein product. Loss-of-function variants in MYBPC3 are known to be pathogenic (PMID: 19574547). This variant is not present in population databases (gnomAD no frequency). This premature translational stop signal has been observed in individual(s) with hypertrophic cardiomyopathy (PMID: 20021930, 23283745). ClinVar contains an entry for this variant (Variation ID: 180933). For these reasons, this variant has been classified as Pathogenic.

Ambry Genetics
Classification: Pathogenic for Cardiovascular phenotype. Last evaluated: 2019-02-20. Review status: criteria provided, single submitter. Criteria: Ambry Variant Classification Scheme 2023. Collection method: clinical testing. Allele origin: germline.
Comment: The p.Q463* pathogenic mutation (also known as c.1387C>T), located in coding exon 16 of the MYBPC3 gene, results from a C to T substitution at nucleotide position 1387. This changes the amino acid from a glutamine to a stop codon within coding exon 16. This variant has also been reported in an individual with hypertrophic cardiomyopathy, who also had an MYH7 variant detected (Zou Y et al. Mol. Biol. Rep., 2013 Jun;40:3969-76). In addition to the clinical data presented in the literature, this alteration is expected to result in loss of function by premature protein truncation or nonsense-mediated mRNA decay. As such, this alteration is interpreted as a disease-causing mutation.

GeneDx
Classification: Pathogenic. Last evaluated: 2013-02-08. Review status: criteria provided, single submitter. Criteria: GeneDx Variant Classification (06012015). Collection method: clinical testing. Allele origin: germline. Affected: yes.
Comment: p.Gln463Stop (CAG>TAG): c.1387 C>T in exon 16 of the MYBPC3 gene (NM_000256.3) The Gln463Stop mutation in the MYBPC3 gene has been reported in association with HCM (Ma Z et al., 2009; Zou Y et al. 2013). Ma et al. reported Gln463Stop in one individual with HCM (reported as Asp463Stop). Subsequently, Zou Y et al. identified Gln463Stop in another individual with HCM. Gln463Stop is predicted to cause loss of normal protein function either by protein truncation or nonsense-mediated mRNA decay. Other nonsense mutations in the MYBPC3 gene have been reported in association with HCM. In summary, Gln463Stop in the MYBPC3 gene is interpreted as a disease-causing mutation. Mutations in the MYBPC3 gene have been reported in 20%-30% of patients with autosomal dominant familial hypertrophic cardiomyopathy, and have been reported less frequently in patients with autosomal dominant familial dilated cardiomyopathy (Cirino A et al., 2011; Hershberger R et al., 2009). The variant is found in HCM panel(s).

Literature cited by the submitters: PubMed 19574547 (cited by Labcorp Genetics (formerly Invitae), Labcorp); PubMed 20021930 (cited by Labcorp Genetics (formerly Invitae), Labcorp and Ambry Genetics); PubMed 23283745 (cited by Labcorp Genetics (formerly Invitae), Labcorp and Ambry Genetics); PubMed 26163040 (cited by Ambry Genetics).